The following is an entry in ClinVar:

NM_004544.4(NDUFA10):c.139G>A (p.Asp47Asn)

Gene: NDUFA10 (NADH:ubiquinone oxidoreductase subunit A10; minus strand). Cytogenetic location: 2q37.3.
Variant type: single nucleotide variant.
Coding change: c.139G>A on transcript NM_004544.4 (MANE Select); coding-DNA position 139, G replaced by A.
Protein change: p.Asp47Asn; replaces aspartic acid 47 with asparagine.
Molecular consequence: missense variant. On other transcripts: non-coding transcript variant (3).
Genome position (GRCh38, 1-based): chr2:240,022,277, C>T on the plus strand (G>A on the coding strand, the complement: NDUFA10 is on the minus strand). VCF-style: chr2-240022277-C-T. GRCh37 (hg19) VCF-style: chr2-240961694-C-T.
Other names: c.139G>A, p.Asp47Asn (NM_001322019.2, NM_001322020.2); short protein forms D47N.
Identifiers: ClinVar variation 1517470 (VCV001517470.6), dbSNP rs2106504416, ClinGen allele CA351274796.
Genomic context (GRCh38, chr2:240,022,277, plus strand): 5'-ATATATTGCCATCTACAGTTATCACTCTGCTGCGTTCTGTCAGTCTTTTGCTTGCTTTAT[C>T]CCCAAGTAGGAAATGCCACATTCCATAGCGCAGTTTGCACTGCACACTGCTATGAATTCC-3'
Protein context (NP_004535.1, residues 37-57): RYGMWHFLLG[Asp47Asn]KASKRLTERS

ClinVar aggregate classification (germline): Uncertain significance (1 of 4 stars; one submission).

Submission:

Labcorp Genetics (formerly Invitae), Labcorp
Classification: Uncertain significance. Last evaluated: 2021-12-02. Review status: criteria provided, single submitter. Criteria: Invitae Variant Classification Sherloc (09022015). Collection method: clinical testing. Allele origin: germline.
Comment: Algorithms developed to predict the effect of missense changes on protein structure and function are either unavailable or do not agree on the potential impact of this missense change (SIFT: "Deleterious"; PolyPhen-2: "Possibly Damaging"; Align-GVGD: "Class C0"). This variant has not been reported in the literature in individuals affected with NDUFA10-related conditions. This variant is not present in population databases (gnomAD no frequency). This sequence change replaces aspartic acid, which is acidic and polar, with asparagine, which is neutral and polar, at codon 47 of the NDUFA10 protein (p.Asp47Asn). In summary, the available evidence is currently insufficient to determine the role of this variant in disease. Therefore, it has been classified as a Variant of Uncertain Significance.